The following is an entry in ClinVar:

ClinVar aggregate classification (germline): Likely pathogenic (1 of 4 stars; one submission).

Conditions:
Multiple acyl-CoA dehydrogenase deficiency (MADD). Also called: Glutaric acidemia type II; GA 2; Glutaric aciduria, type 2; ETHYLMALONIC-ADIPICACIDURIA; GA II; Glutaric Acidemia type 2. Identifiers: Orphanet 26791, MedGen C0268596, MONDO:0009282, OMIM 231680.

Submission:

Labcorp Genetics (formerly Invitae), Labcorp
Classification: Likely pathogenic for Multiple acyl-CoA dehydrogenase deficiency. Last evaluated: 2023-08-10. Review status: criteria provided, single submitter. Criteria: Invitae Variant Classification Sherloc (09022015). Collection method: clinical testing. Allele origin: germline.
Comment: In summary, the currently available evidence indicates that the variant is pathogenic, but additional data are needed to prove that conclusively. Therefore, this variant has been classified as Likely Pathogenic. This variant disrupts the p.Arg51 amino acid residue in ETFDH. Other variant(s) that disrupt this residue have been determined to be pathogenic (PMID: 24357026; Invitae). This suggests that this residue is clinically significant, and that variants that disrupt this residue are likely to be disease-causing. Advanced modeling of protein sequence and biophysical properties (such as structural, functional, and spatial information, amino acid conservation, physicochemical variation, residue mobility, and thermodynamic stability) performed at Invitae indicates that this missense variant is expected to disrupt ETFDH protein function. ClinVar contains an entry for this variant (Variation ID: 1492188). This variant has not been reported in the literature in individuals affected with ETFDH-related conditions. This variant is not present in population databases (gnomAD no frequency). This sequence change replaces arginine, which is basic and polar, with proline, which is neutral and non-polar, at codon 51 of the ETFDH protein (p.Arg51Pro).

Literature cited by the submitters: PubMed 24357026.

NM_004453.4(ETFDH):c.152G>C (p.Arg51Pro)

Gene: ETFDH (electron transfer flavoprotein dehydrogenase; plus strand). Cytogenetic location: 4q32.1.
Variant type: single nucleotide variant.
Coding change: c.152G>C on transcript NM_004453.4 (MANE Select); coding-DNA position 152, G replaced by C.
Protein change: p.Arg51Pro; replaces arginine 51 with proline.
Molecular consequence: missense variant. On other transcripts: intron variant (1).
Genome position (GRCh38, 1-based): chr4:158,680,584, G>C. VCF-style: chr4-158680584-G-C. GRCh37 (hg19) VCF-style: chr4-159601736-G-C.
Other names: c.35-1611G>C (NM_001281737.2); short protein forms R51P.
Identifiers: ClinVar variation 1492188 (VCV001492188.6), dbSNP rs534388496, ClinGen allele CA358573534.